The following is an entry in ClinVar:

ClinVar aggregate classification (germline): Pathogenic (1 of 4 stars; one submission).

Conditions:
Recessive dystrophic epidermolysis bullosa (RDEB). Also called: DYSTROPHIC EPIDERMOLYSIS BULLOSA, AUTOSOMAL RECESSIVE; EPIDERMOLYSIS BULLOSA DYSTROPHICA, HALLOPEAU-SIEMENS TYPE; Hallopeau-Siemens Disease; severe generalized recessive dystrophic epidermolysis bullosa; EPIDERMOLYSIS BULLOSA DYSTROPHICA, GENERALIZED SEVERE, AUTOSOMAL RECESSIVE; Epidermolysis Bullosa Distrophica Autosomal Recessive (RDEB). Identifiers: Orphanet 79408, Orphanet 79409, MedGen C0079474, MONDO:0009179, OMIM 226600.

Submission:

Myriad Genetics, Inc.
Classification: Pathogenic for Recessive dystrophic epidermolysis bullosa. Last evaluated: 2025-01-30. Review status: criteria provided, single submitter. Criteria: Myriad Autosomal Dominant, Autosomal Recessive and X-Linked Classification Criteria (2023). Collection method: clinical testing. Allele origin: unknown.
Comment: NM_000094.3(COL7A1):c.6622G>T(E2208*) is expected to be pathogenic in the context of dystrophic epidermolysis bullosa. This variant is predicted to lead to an abnormal or absent protein product due to the creation of a premature termination codon in COL7A1, a gene where loss-of-function variants are known to be pathogenic. Please note: this variant was assessed in the context of healthy population screening.

NM_000094.4(COL7A1):c.6622G>T (p.Glu2208Ter)

Gene: COL7A1 (collagen type VII alpha 1 chain; minus strand). Cytogenetic location: 3p21.31.
Variant type: single nucleotide variant.
Coding change: c.6622G>T on transcript NM_000094.4 (MANE Select); coding-DNA position 6622, G replaced by T.
Protein change: p.Glu2208Ter; replaces glutamic acid 2208 with a stop codon.
Molecular consequence: nonsense.
Genome position (GRCh38, 1-based): chr3:48,573,345, C>A on the plus strand (G>T on the coding strand, the complement: COL7A1 is on the minus strand). VCF-style: chr3-48573345-C-A. GRCh37 (hg19) VCF-style: chr3-48610778-C-A.
Other names: short protein forms E2208*.
Identifiers: ClinVar variation 5014041 (VCV005014041.1).
Genomic context (GRCh38, chr3:48,573,345, plus strand): 5'-ATGACCCTAACCTGTGAGCTAGGCCACTCACCCGTCCTGGAGGTCCTGTCTCTCCAGGCT[C>A]CCCCTGCAAACAACCCAGAGACTGCATGAGCAGAGCCCACGTGGCCAGGGCTCCTGGAGC-3'